The following is an entry in ClinVar:

ClinVar aggregate classification (germline): Uncertain significance (1 of 4 stars; one submission).

Conditions:
Autosomal recessive nonsyndromic hearing loss 3. Also called: NEUROSENSORY NONSYNDROMIC RECESSIVE DEAFNESS 3. Identifiers: Orphanet 90636, MedGen C1838263, MONDO:0010860, OMIM 600316.

Submission:

Pittsburgh Clinical Genomics Laboratory, University of Pittsburgh Medical Center
Classification: Uncertain significance for Autosomal recessive nonsyndromic hearing loss 3. Last evaluated: 2023-07-18. Review status: criteria provided, single submitter. Criteria: ACMG Guidelines, 2015. Collection method: clinical testing. Allele origin: germline. Inheritance: Autosomal recessive inheritance. Affected: yes.
Comment: This sequence variant is a single nucleotide substitution (C>G) at the -8 position upstream of exon 11 of the MYO15A gene. This variant does not directly affect the amino acid sequence but is predicted to significantly impact MYO15A gene splicing. This is a novel variant that is absent from population datasets (gnomAD), databases of clinically annotated variants (ClinVar), and has not been reported in the literature in individuals with MYO15A-related disease, to our knowledge. Bioinformatic tools that predict splice site strength suggest that this variant would strongly impact splicing of exon 11, and the C nucleotide at this position is well conserved across the mammalian species examined. Functiol studies testing the effect of this variant on splicing have not been performed, to our knowledge. At this time, there is insufficient evidence to determine if this variant is pathogenic or benign. Therefore, we consider this to be a variant of uncertain significance. ACMG Criteria: PM2, PP3

NM_016239.4(MYO15A):c.4207-8C>G

Gene: MYO15A (myosin XVA; plus strand). Cytogenetic location: 17p11.2.
Variant type: single nucleotide variant.
Coding change: c.4207-8C>G on transcript NM_016239.4 (MANE Select); 8 bases into the intron before coding-DNA position 4207, C replaced by G.
Molecular consequence: intron variant.
Genome position (GRCh38, 1-based): chr17:18,132,445, C>G. VCF-style: chr17-18132445-C-G. GRCh37 (hg19) VCF-style: chr17-18035759-C-G.
Identifiers: ClinVar variation 3376303 (VCV003376303.1).